The following is an entry in ClinVar:

ClinVar aggregate classification (germline): Uncertain significance. Review status: criteria provided, multiple submitters, no conflicts (2 of 4 stars). 4 submissions from 4 submitters: Uncertain significance (2). 2 of the submissions do not count toward it. Last evaluated 2024-10-24.

Conditions:
FAT1-related disorder. Also called: FAT1-related condition.

Allele frequency attached by ClinVar (database versions not stated): gnomAD 0.00050 and 0.00054; gnomAD exomes 0.00054 and 0.00078; 1000 Genomes Project 0.00060; 1000 Genomes Project 30x 0.00062; ExAC 0.00074; ESP Exome Variant Server 0.00083.
gnomAD v4.1: 1,192 of 1,613,018 alleles (0.074%); highest among the groups gnomAD compares: Non-Finnish European, 0.093%; no homozygotes.

Submissions (4):

Blueprint Genetics
Classification: Uncertain significance. Last evaluated: 2024-10-24. Review status: criteria provided, single submitter. Criteria: ACMG Guidelines, 2015. Collection method: clinical testing. Allele origin: germline.

Labcorp Genetics (formerly Invitae), Labcorp
Classification: Uncertain significance. Last evaluated: 2022-08-10. Review status: criteria provided, single submitter. Criteria: Invitae Variant Classification Sherloc (09022015). Collection method: clinical testing. Allele origin: germline.
Comment: This sequence change replaces tyrosine, which is neutral and polar, with asparagine, which is neutral and polar, at codon 3195 of the FAT1 protein (p.Tyr3195Asn). This variant is present in population databases (rs146471129, gnomAD 0.1%), and has an allele count higher than expected for a pathogenic variant. This variant has not been reported in the literature in individuals affected with FAT1-related conditions. ClinVar contains an entry for this variant (Variation ID: 1050315). Algorithms developed to predict the effect of missense changes on protein structure and function (SIFT, PolyPhen-2, Align-GVGD) all suggest that this variant is likely to be disruptive. In summary, the available evidence is currently insufficient to determine the role of this variant in disease. Therefore, it has been classified as a Variant of Uncertain Significance.

PreventionGenetics, part of Exact Sciences
Classification: Uncertain significance for FAT1-related condition. Last evaluated: 2024-01-09. Review status: no assertion criteria provided. Collection method: clinical testing. Allele origin: germline. Not counted in ClinVar's aggregate classification.
Comment: The FAT1 c.9583T>A variant is predicted to result in the amino acid substitution p.Tyr3195Asn. This variant has been reported in the compound heterozygous state in an individual with Nance–Horan syndrome with congenital diaphragmatic hernia (Table 2, Kammoun et al. 2018. PubMed ID: 29358614). However, this individual harbored candidate variants in other genes that were considered causative for Nance–Horan syndrome. This variant is reported in 0.098% of alleles in individuals of European (Non-Finnish) descent in gnomAD. Although we suspect that this variant may be benign, at this time, the clinical significance of this variant is uncertain due to the absence of conclusive functional and genetic evidence.

Department of Pathology and Laboratory Medicine, Sinai Health System
Classification: Uncertain significance. Review status: no assertion criteria provided. Collection method: clinical testing. Allele origin: unknown. Affected: yes. Study: The Canadian Open Genetics Repository (COGR). Not counted in ClinVar's aggregate classification.
Comment: The FAT1 p.Tyr3195Asn variant was identified in the literature in a patient with Nance-Horan syndrome (Kammoun_2018_PMID:29358614). The variant was also identified in dbSNP (ID: rs146471129) and LOVD 3.0 (classified as a VUS) but was not identified in ClinVar or Cosmic. The variant was identified in control databases in 152 of 278110 chromosomes at a frequency of 0.000547 increasing the likelihood this could be a low frequency benign variant (Genome Aggregation Database Feb 27, 2017). The variant was observed in the following populations: European (non-Finnish) in 125 of 127164 chromosomes (freq: 0.000983), Other in 5 of 7078 chromosomes (freq: 0.000706), European (Finnish) in 12 of 24956 chromosomes (freq: 0.000481), Latino in 5 of 35060 chromosomes (freq: 0.000143), African in 3 of 24010 chromosomes (freq: 0.000125) and South Asian in 2 of 30194 chromosomes (freq: 0.000066), but was not observed in the Ashkenazi Jewish or East Asian populations. The p.Tyr3195 residue is conserved across mammals and other organisms, and computational analyses (PolyPhen-2, SIFT, AlignGVGD, BLOSUM, MutationTaster) suggest that the variant may impact the protein; however, this information is not predictive enough to assume pathogenicity. The variant occurs outside of the splicing consensus sequence and in silico or computational prediction software programs (SpliceSiteFinder, MaxEntScan, NNSPLICE, GeneSplicer) do not predict a difference in splicing. In summary, based on the above information the clinical significance of this variant cannot be determined with certainty at this time. This variant is classified as a variant of uncertain significance.

NM_005245.4(FAT1):c.9583T>A (p.Tyr3195Asn)

Gene: FAT1 (FAT atypical cadherin 1; minus strand). Cytogenetic location: 4q35.2.
Variant type: single nucleotide variant.
Coding change: c.9583T>A on transcript NM_005245.4 (MANE Select); coding-DNA position 9583, T replaced by A.
Protein change: p.Tyr3195Asn; replaces tyrosine 3195 with asparagine.
Molecular consequence: missense variant.
Genome position (GRCh38, 1-based): chr4:186,611,656, A>T on the plus strand (T>A on the coding strand, the complement: FAT1 is on the minus strand). VCF-style: chr4-186611656-A-T. GRCh37 (hg19) VCF-style: chr4-187532810-A-T.
Other names: c.9583T>A (NM_005245.3); short protein forms Y3195N.
Identifiers: ClinVar variation 1050315 (VCV001050315.6), dbSNP rs146471129, ClinGen allele CA3165598.